The following is an entry in ClinVar:

NM_000138.5(FBN1):c.4665T>C (p.Val1555=)

Gene: FBN1 (fibrillin 1; minus strand). Cytogenetic location: 15q21.1.
Variant type: single nucleotide variant.
Coding change: c.4665T>C on transcript NM_000138.5 (MANE Select); coding-DNA position 4665, T replaced by C.
Protein change: p.Val1555=; no amino-acid change (valine 1555 retained).
Molecular consequence: synonymous variant.
Genome position (GRCh38, 1-based): chr15:48,468,020, A>G on the plus strand (T>C on the coding strand, the complement: FBN1 is on the minus strand). VCF-style: chr15-48468020-A-G. GRCh37 (hg19) VCF-style: chr15-48760217-A-G.
Identifiers: ClinVar variation 701365 (VCV000701365.23), dbSNP rs191569116, ClinGen allele CA053498.

ClinVar aggregate classification (germline): Benign/Likely benign. Review status: criteria provided, multiple submitters, no conflicts (2 of 4 stars). 7 submissions from 7 submitters: Benign (4); Likely benign (3). Last evaluated 2026-01-19.

Conditions:
Marfan syndrome (MFS). Also called: Marfan syndrome type 1; Marfan's syndrome; Marfan syndrome, classic; FBN1-Related Marfan Syndrome; MARFAN SYNDROME, TYPE I. Identifiers: Orphanet 284963, Orphanet 558, MedGen C0024796, MONDO:0007947, OMIM 154700.
Familial thoracic aortic aneurysm and aortic dissection (TAAD). Also called: Thoracic aortic aneurysms and dissections. Identifiers: Orphanet 91387, MedGen C4707243, MONDO:0019625.

Allele frequency attached by ClinVar (database versions not stated): gnomAD 0.00002 and 0.00003; gnomAD exomes 0.00002 and 0.00012; TOPMed 0.00008; ExAC 0.00010; 1000 Genomes Project 0.00020; 1000 Genomes Project 30x 0.00062.
gnomAD v4.1: 31 of 1,614,156 alleles (0.0019%); highest among the groups gnomAD compares: East Asian, 0.065%; no homozygotes.

Submissions (7):

Labcorp Genetics (formerly Invitae), Labcorp
Classification: Benign for Marfan syndrome; Familial thoracic aortic aneurysm and aortic dissection. Last evaluated: 2026-01-19. Review status: criteria provided, single submitter. Criteria: Invitae Variant Classification Sherloc (09022015). Collection method: clinical testing. Allele origin: germline.

CeGaT Center for Human Genetics Tuebingen
Classification: Likely benign. Last evaluated: 2025-12-01. Review status: criteria provided, single submitter. Criteria: CeGaT Center For Human Genetics Tuebingen Variant Classification Criteria Version 2. Collection method: clinical testing. Allele origin: germline. Affected: yes. Observed: 1 variant allele.
Comment: FBN1: BP4, BP7

Women's Health and Genetics/Laboratory Corporation of America, LabCorp
Classification: Benign. Last evaluated: 2025-02-03. Review status: criteria provided, single submitter. Criteria: LabCorp Variant Classification Summary - May 2015. Collection method: clinical testing. Allele origin: germline.

All of Us Research Program, National Institutes of Health
Classification: Benign for Marfan syndrome. Last evaluated: 2024-01-05. Review status: criteria provided, single submitter. Criteria: ACMG Guidelines, 2015. Collection method: clinical testing. Allele origin: germline. Inheritance: Autosomal dominant inheritance. Observed: 8 variant alleles, 8 heterozygotes.
Comment: This study involves interpretation of variants in research participants for the purpose of population health screening. Participant phenotype was not available at the time of variant classification. Additional details can be found in publication PMID: 35346344, PMCID: PMC8962531

Ambry Genetics
Classification: Likely benign for Familial thoracic aortic aneurysm and aortic dissection. Last evaluated: 2022-08-03. Review status: criteria provided, single submitter. Criteria: Ambry Variant Classification Scheme 2023. Collection method: clinical testing. Allele origin: germline.

Blueprint Genetics
Classification: Likely benign. Last evaluated: 2022-03-10. Review status: criteria provided, single submitter. Criteria: ACMG Guidelines, 2015. Collection method: clinical testing. Allele origin: germline.

Color Diagnostics, LLC DBA Color Health
Classification: Benign for Familial thoracic aortic aneurysm and aortic dissection. Last evaluated: 2018-12-16. Review status: criteria provided, single submitter. Criteria: ACMG Guidelines, 2015. Collection method: clinical testing. Allele origin: germline.